The following is an entry in ClinVar:

ClinVar aggregate classification (germline): Uncertain significance (1 of 4 stars; one submission).

Conditions:
Early-infantile DEE. Also called: Ohtahara syndrome; Early infantile epileptic encephalopathy with suppression bursts; Early infantile epileptic encephalopathy. Identifiers: Orphanet 1934, MedGen C0393706, MONDO:0800491.

Submission:

Labcorp Genetics (formerly Invitae), Labcorp
Classification: Uncertain significance for Early-infantile DEE. Last evaluated: 2025-05-07. Review status: criteria provided, single submitter. Criteria: Invitae Variant Classification Sherloc (09022015). Collection method: clinical testing. Allele origin: germline.
Comment: This sequence change replaces serine, which is neutral and polar, with cysteine, which is neutral and slightly polar, at codon 139 of the HCN1 protein (p.Ser139Cys). This variant is not present in population databases (gnomAD no frequency). This variant has not been reported in the literature in individuals affected with HCN1-related conditions. Invitae Evidence Modeling of protein sequence and biophysical properties (such as structural, functional, and spatial information, amino acid conservation, physicochemical variation, residue mobility, and thermodynamic stability) has been performed for this missense variant. However, the output from this modeling did not meet the statistical confidence thresholds required to predict the impact of this variant on HCN1 protein function. In summary, the available evidence is currently insufficient to determine the role of this variant in disease. Therefore, it has been classified as a Variant of Uncertain Significance.

NM_021072.4(HCN1):c.415A>T (p.Ser139Cys)

Gene: HCN1 (hyperpolarization activated cyclic nucleotide gated potassium channel 1; minus strand). Cytogenetic location: 5p12.
Variant type: single nucleotide variant.
Coding change: c.415A>T on transcript NM_021072.4 (MANE Select); coding-DNA position 415, A replaced by T.
Protein change: p.Ser139Cys; replaces serine 139 with cysteine.
Molecular consequence: missense variant.
Genome position (GRCh38, 1-based): chr5:45,695,679, T>A on the plus strand (A>T on the coding strand, the complement: HCN1 is on the minus strand). VCF-style: chr5-45695679-T-A. GRCh37 (hg19) VCF-style: chr5-45695781-T-A.
Other names: short protein forms S139C.
Identifiers: ClinVar variation 4747459 (VCV004747459.1).